The following is an entry in ClinVar:

NM_022356.4(P3H1):c.1647G>A (p.Met549Ile)

Gene: P3H1 (prolyl 3-hydroxylase 1; minus strand). Cytogenetic location: 1p34.2.
Variant type: single nucleotide variant.
Coding change: c.1647G>A on transcript NM_022356.4 (MANE Select); coding-DNA position 1647, G replaced by A.
Protein change: p.Met549Ile; replaces methionine 549 with isoleucine.
Molecular consequence: missense variant.
Genome position (GRCh38, 1-based): chr1:42,750,259, C>T on the plus strand (G>A on the coding strand, the complement: P3H1 is on the minus strand). VCF-style: chr1-42750259-C-T. GRCh37 (hg19) VCF-style: chr1-43215930-C-T.
Other names: p.Met549Ile; c.1647G>A, p.Met549Ile (NM_001146289.2, NM_001243246.2); short protein forms M549I.
Identifiers: ClinVar variation 379421 (VCV000379421.15), dbSNP rs11581921, ClinGen allele CA801749.

ClinVar aggregate classification (germline): Conflicting classifications of pathogenicity. Review status: criteria provided, conflicting classifications (1 of 4 stars). 6 submissions from 5 submitters: Uncertain significance (1); Benign (5). Last evaluated 2026-02-04.

Conditions:
Osteogenesis Imperfecta, Recessive.
Osteogenesis imperfecta type 8 (OI8). Identifiers: MedGen C1970458, MONDO:0012581, OMIM 610915.

Allele frequency attached by ClinVar (database versions not stated): 1000 Genomes Project 30x 0.05528; TOPMed 0.05581; 1000 Genomes Project 0.05751; gnomAD 0.05897 and 0.06009; ESP Exome Variant Server 0.06228; gnomAD exomes 0.06755 and 0.07832; ExAC 0.07189.
gnomAD v4.1: 123,058 of 1,613,800 alleles (7.6%); highest among the groups gnomAD compares: South Asian, 9.1%; 5,081 homozygotes.

Submissions (6):

Labcorp Genetics (formerly Invitae), Labcorp
Classification: Benign for Osteogenesis imperfecta type 8. Last evaluated: 2026-02-04. Review status: criteria provided, single submitter. Criteria: Invitae Variant Classification Sherloc (09022015). Collection method: clinical testing. Allele origin: germline.

Blueprint Genetics
Classification: Benign. Last evaluated: 2024-11-26. Review status: criteria provided, single submitter. Criteria: ACMG Guidelines, 2015. Collection method: clinical testing. Allele origin: germline.

Mayo Clinic Laboratories, Mayo Clinic
Classification: Benign. Last evaluated: 2023-06-26. Review status: criteria provided, single submitter. Criteria: ACMG Guidelines, 2015. Collection method: clinical testing. Allele origin: germline. Observed: 26 variant alleles.

Illumina Laboratory Services, Illumina
Classification: Benign for Osteogenesis imperfecta type 8. Last evaluated: 2017-04-28. Review status: criteria provided, single submitter. Criteria: ICSL Variant Classification Criteria 13 December 2019. Collection method: clinical testing. Allele origin: germline.
Comment: This variant was observed as part of a predisposition screen in an ostensibly healthy population. A literature search was performed for the gene, cDNA change, and amino acid change (where applicable). Publications were found based on this search. The evidence from the literature, in combination with allele frequency data from public databases where available, was sufficient to rule this variant out of causing disease. Therefore, this variant is classified as benign.

Illumina Laboratory Services, Illumina
Classification: Uncertain significance for Osteogenesis Imperfecta, Recessive. Last evaluated: 2017-04-27. Review status: criteria provided, single submitter. Criteria: ICSL Variant Classification Criteria 13 December 2019. Collection method: clinical testing. Allele origin: germline.

GeneDx
Classification: Benign. Last evaluated: 2016-04-15. Review status: criteria provided, single submitter. Criteria: GeneDx Variant Classification (06012015). Collection method: clinical testing. Allele origin: germline. Affected: yes.
Comment: This variant is considered likely benign or benign based on one or more of the following criteria: it is a conservative change, it occurs at a poorly conserved position in the protein, it is predicted to be benign by multiple in silico algorithms, and/or has population frequency not consistent with disease.

Literature cited by the submitters: PubMed 26634552 (cited by Illumina Laboratory Services, Illumina).